The following is an entry in ClinVar:

ClinVar aggregate classification (germline): Uncertain significance (1 of 4 stars; one submission).

Conditions:
SKI-related disorder. Also called: SKI-related condition.

Submission:

PreventionGenetics, part of Exact Sciences
Classification: Uncertain significance for SKI-related condition. Last evaluated: 2024-12-20. Review status: criteria provided, single submitter. Criteria: ACMG Guidelines, 2015. Collection method: clinical testing. Allele origin: germline.
Comment: The SKI c.1067T>C variant is predicted to result in the amino acid substitution p.Leu356Pro. To our knowledge, this variant has not been reported in the literature or in a large population database (gnomAD), indicating this variant is rare. At this time, the clinical significance of this variant is uncertain due to the absence of conclusive functional and genetic evidence.

NM_003036.4(SKI):c.1067T>C (p.Leu356Pro)

Gene: SKI (SKI proto-oncogene; plus strand). Cytogenetic location: 1p36.32.
Variant type: single nucleotide variant.
Coding change: c.1067T>C on transcript NM_003036.4 (MANE Select); coding-DNA position 1067, T replaced by C.
Protein change: p.Leu356Pro; replaces leucine 356 with proline.
Molecular consequence: missense variant.
Genome position (GRCh38, 1-based): chr1:2,303,075, T>C. VCF-style: chr1-2303075-T-C. GRCh37 (hg19) VCF-style: chr1-2234514-T-C.
Other names: short protein forms L356P.
Identifiers: ClinVar variation 4999137 (VCV004999137.1).
Genomic context (GRCh38, chr1:2,303,075, plus strand): 5'-CAGATGACACCTCTTCCCAGTCCCCCGCGCCTTCCGAAAAGGACAAGCCGTCCAGCTGGC[T>C]GCGGACCTTGGCCGGCTCTTCCAATAAGGTGCTGTGGGGCCTGTCGGGGTCCTTGGGGTG-3'
Protein context (NP_003027.1, residues 346-366): PSEKDKPSSW[Leu356Pro]RTLAGSSNKS